The following is an entry in ClinVar:

NM_001378964.1(CDON):c.791C>A (p.Pro264Gln)

Gene: CDON (cell adhesion associated, oncogene regulated; minus strand). Cytogenetic location: 11q24.2.
Variant type: single nucleotide variant.
Coding change: c.791C>A on transcript NM_001378964.1 (MANE Select); coding-DNA position 791, C replaced by A.
Protein change: p.Pro264Gln; replaces proline 264 with glutamine.
Molecular consequence: missense variant.
Genome position (GRCh38, 1-based): chr11:126,017,225, G>T on the plus strand (C>A on the coding strand, the complement: CDON is on the minus strand). VCF-style: chr11-126017225-G-T. GRCh37 (hg19) VCF-style: chr11-125887120-G-T.
Other names: c.791C>A, p.Pro264Gln (NM_001243597.3, NM_016952.6); short protein forms P264Q.
Identifiers: ClinVar variation 422386 (VCV000422386.11), dbSNP rs140542787, ClinGen allele CA6352244.

ClinVar aggregate classification (germline): Conflicting classifications of pathogenicity. Review status: criteria provided, conflicting classifications (1 of 4 stars). 4 submissions from 4 submitters: Uncertain significance (2); Likely benign (2). Last evaluated 2025-05-05.

Conditions:
Inborn genetic diseases. Identifiers: MedGen C0950123, MeSH D030342.
Holoprosencephaly 11 (HPE11). Identifiers: Orphanet 2162, MedGen C3280215, MONDO:0013642, OMIM 614226.

Allele frequency attached by ClinVar (database versions not stated): gnomAD 0.00011 and 0.00012; TOPMed 0.00012; ESP Exome Variant Server 0.00015; gnomAD exomes 0.00019.
gnomAD v4.1: 283 of 1,613,996 alleles (0.018%); highest among the groups gnomAD compares: Non-Finnish European, 0.023%; no homozygotes.

Submissions (4):

Labcorp Genetics (formerly Invitae), Labcorp
Classification: Uncertain significance for Holoprosencephaly 11. Last evaluated: 2025-05-05. Review status: criteria provided, single submitter. Criteria: Invitae Variant Classification Sherloc (09022015). Collection method: clinical testing. Allele origin: germline.
Comment: This sequence change replaces proline, which is neutral and non-polar, with glutamine, which is neutral and polar, at codon 264 of the CDON protein (p.Pro264Gln). This variant is present in population databases (rs140542787, gnomAD 0.03%). This variant has not been reported in the literature in individuals affected with CDON-related conditions. ClinVar contains an entry for this variant (Variation ID: 422386). Invitae Evidence Modeling of protein sequence and biophysical properties (such as structural, functional, and spatial information, amino acid conservation, physicochemical variation, residue mobility, and thermodynamic stability) indicates that this missense variant is not expected to disrupt CDON protein function with a negative predictive value of 80%. In summary, the available evidence is currently insufficient to determine the role of this variant in disease. Therefore, it has been classified as a Variant of Uncertain Significance.

Ambry Genetics
Classification: Likely benign for Inborn genetic diseases. Last evaluated: 2022-10-06. Review status: criteria provided, single submitter. Criteria: Ambry Variant Classification Scheme 2023. Collection method: clinical testing. Allele origin: germline.

Illumina Laboratory Services, Illumina
Classification: Likely benign for Holoprosencephaly 11. Last evaluated: 2018-01-13. Review status: criteria provided, single submitter. Criteria: ICSL Variant Classification Criteria 13 December 2019. Collection method: clinical testing. Allele origin: germline.
Comment: This variant was observed in the ICSL laboratory as part of a predisposition screen in an ostensibly healthy population. It had not been previously curated by ICSL or reported in the Human Gene Mutation Database (HGMD: prior to June 1st, 2018), and was therefore a candidate for classification through an automated scoring system. Utilizing variant allele frequency, disease prevalence and penetrance estimates, and inheritance mode, an automated score was calculated to assess if this variant is too frequent to cause the disease. Based on the score and internal cut-off values, a variant classified as likely benign is not then subjected to further curation. The score for this variant resulted in a classification of likely benign for this disease.

GeneDx
Classification: Uncertain significance. Last evaluated: 2017-07-17. Review status: criteria provided, single submitter. Criteria: GeneDx Variant Classification (06012015). Collection method: clinical testing. Allele origin: germline. Affected: yes.
Comment: The P264Q variant in the CDON gene has not been reported previously as a pathogenic variant, nor as a benign variant, to our knowledge. The P264Q variant was not observed at any significant frequency in approximately 6500 individuals of European and African American ancestry by the NHLBI Exome Sequencing Project. The P264Q variant is a non-conservative amino acid substitution, which is likely to impact secondary protein structure as these residues differ in polarity, charge, size and/or other properties. This substitution occurs at a position that is not conserved and in silico analysis predicts this variant likely does not alter the protein structure/function. We interpret P264Q as a variant of uncertain significance